The following is an entry in ClinVar:

NM_004304.5(ALK):c.2698G>A (p.Ala900Thr)

Gene: ALK (ALK receptor tyrosine kinase; minus strand). Cytogenetic location: 2p23.2.
Variant type: single nucleotide variant.
Coding change: c.2698G>A on transcript NM_004304.5 (MANE Select); coding-DNA position 2698, G replaced by A.
Protein change: p.Ala900Thr; replaces alanine 900 with threonine.
Molecular consequence: missense variant.
Genome position (GRCh38, 1-based): chr2:29,229,001, C>T on the plus strand (G>A on the coding strand, the complement: ALK is on the minus strand). VCF-style: chr2-29229001-C-T. GRCh37 (hg19) VCF-style: chr2-29451867-C-T.
Other names: c.2698G>A (NM_004304.4); short protein forms A900T.
Identifiers: ClinVar variation 4694257 (VCV004694257.2).

ClinVar aggregate classification (germline): Uncertain significance. Review status: criteria provided, multiple submitters, no conflicts (2 of 4 stars). 2 submissions from 2 submitters: Uncertain significance (2). Last evaluated 2026-01-06.

Conditions:
Neuroblastoma, susceptibility to, 3. Also called: ALK-Related Neuroblastic Tumor Susceptibility. Identifiers: Orphanet 635, MedGen C2751681, MONDO:0013083, OMIM 613014.
Hereditary cancer-predisposing syndrome. Also called: Neoplastic Syndromes, Hereditary; Tumor predisposition; Hereditary Cancer Syndrome; Hereditary neoplastic syndrome. Identifiers: Orphanet 140162, MedGen C0027672, MeSH D009386, MONDO:0015356.

Submissions (2):

Ambry Genetics
Classification: Uncertain significance for Hereditary cancer-predisposing syndrome. Last evaluated: 2026-01-06. Review status: criteria provided, single submitter. Criteria: Ambry Variant Classification Scheme 2023. Collection method: clinical testing. Allele origin: germline.
Comment: The p.A900T variant (also known as c.2698G>A), located in coding exon 16 of the ALK gene, results from a G to A substitution at nucleotide position 2698. The alanine at codon 900 is replaced by threonine, an amino acid with similar properties. This amino acid position is conserved. In addition, the in silico prediction for this alteration is inconclusive. Based on the available evidence, the clinical significance of this variant remains unclear.

Labcorp Genetics (formerly Invitae), Labcorp
Classification: Uncertain significance for Neuroblastoma, susceptibility to, 3. Last evaluated: 2025-07-08. Review status: criteria provided, single submitter. Criteria: Invitae Variant Classification Sherloc (09022015). Collection method: clinical testing. Allele origin: germline.
Comment: This sequence change replaces alanine, which is neutral and non-polar, with threonine, which is neutral and polar, at codon 900 of the ALK protein (p.Ala900Thr). This variant is not present in population databases (gnomAD no frequency). This variant has not been reported in the literature in individuals affected with ALK-related conditions. An algorithm developed to predict the effect of missense changes on protein structure and function (PolyPhen-2) suggests that this variant is likely to be disruptive. In summary, the available evidence is currently insufficient to determine the role of this variant in disease. Therefore, it has been classified as a Variant of Uncertain Significance.